The following is an entry in ClinVar:

NM_001723.7(DST):c.22del (p.Tyr8fs)

Gene: DST (dystonin; minus strand). Cytogenetic location: 6p12.1.
Variant type: Deletion.
Coding change: c.22del on transcript NM_001723.7 (MANE Plus Clinical); coding-DNA position 22, one base deleted (T; older notation c.22delT).
Protein change: p.Tyr8fs; shifts the reading frame from tyrosine 8.
Molecular consequence: frameshift variant. On other transcripts: intron variant (9).
Genome position (GRCh38, 1-based): chr6:56,642,767, A deleted on the plus strand (T on the coding strand, the reverse complement: DST is on the minus strand); the first of 2 consecutive A bases (chr6:56,642,767-56,642,768); deleting either gives the same sequence. VCF-style (leftmost placement, unchanged base first): chr6-56642766-TA-T. GRCh37 (hg19) VCF-style: chr6-56507564-TA-T.
Other names: p.Tyr8Thrfs*33; c.22del (NM_001723.5); c.22del, p.Tyr8fs (NM_015548.5); c.1680-264del (NM_001144769.5); c.1779-264del (NM_001374722.1, NM_001374736.1); c.1806-264del (NM_001374734.1); c.1266-264del (NM_001144770.2); c.1146-264del (NM_001374730.1, NM_001386100.1, NM_183380.4 and 1 more transcripts); short protein forms Y8fs.
Identifiers: ClinVar variation 282605 (VCV000282605.62), dbSNP rs775912185, ClinGen allele CA3871610.

ClinVar aggregate classification (germline): Conflicting classifications of pathogenicity. Review status: criteria provided, conflicting classifications (1 of 4 stars). 8 submissions from 8 submitters: Likely pathogenic (3); Uncertain significance (5). Last evaluated 2026-09-11.

Conditions:
DST-related disorder. Also called: DST-related disorders; DST-related condition.
Epidermolysis bullosa simplex 3, localized or generalized intermediate, with BP230 deficiency (EBS3). Also called: Epidermolysis bullosa simplex, autosomal recessive 2; Epidermolysis bullosa simplex due to BP230 deficiency. Identifiers: Orphanet 412181, MedGen C3809470, MONDO:0014180, OMIM 615425.
Hereditary sensory and autonomic neuropathy type 6. Also called: Neuropathy, hereditary sensory and autonomic, type VI; HSAN VI. Identifiers: Orphanet 314381, MedGen C3539003, MONDO:0013839, OMIM 614653.

Submissions (8):

PreventionGenetics, part of Exact Sciences
Classification: Uncertain significance for DST-related condition. Last evaluated: 2026-09-11. Review status: criteria provided, single submitter. Criteria: ACMG Guidelines, 2015. Collection method: clinical testing. Allele origin: germline.
Comment: The DST c.22delT variant is predicted to result in a frameshift and premature protein termination (p.Tyr8Thrfs*33). This variant is being reported with NM_001723, which is the epithelial specific isoform of DST. Of note, in the neuronal specific isoform (NM_001144769) this variant is referred to as c.1680-264delT and may not be clinically relevant for a DST-neuropathy phenotype. This variant was reported in a large whole genome cohort where phenotype was not specified (Reported as NM_183380:c.1146-264delT in Supp. Table 3, Hou et al. 2020. PubMed ID: 31980526). This variant is reported in 0.042% of alleles in individuals of European (non-Finnish) descent in gnomAD. At this time, the clinical significance of this variant is uncertain due to the absence of conclusive functional and genetic evidence.

GeneDx
Classification: Uncertain significance. Last evaluated: 2025-04-28. Review status: criteria provided, single submitter. Criteria: GeneDx Variant Classification Process June 2021. Collection method: clinical testing. Allele origin: germline. Affected: yes.
Comment: Identified in a cohort of individuals undergoing whole genome sequencing, but clinical information was not included (PMID: 31980526); Frameshift variant predicted to result in protein truncation or nonsense mediated decay in a gene for which loss of function is a known mechanism of disease; Reported using the transcript encoding the epithelial isoform of the gene; This variant is associated with the following publications: (PMID: 31980526)

Blueprint Genetics
Classification: Likely pathogenic for DST-related disorders. Last evaluated: 2024-11-18. Review status: criteria provided, single submitter. Criteria: ACMG Guidelines, 2015. Collection method: clinical testing. Allele origin: germline. Affected: yes. Observed: 5 variant alleles.

Mayo Clinic Laboratories, Mayo Clinic
Classification: Uncertain significance. Last evaluated: 2024-07-26. Review status: criteria provided, single submitter. Criteria: ACMG Guidelines, 2015. Collection method: clinical testing. Allele origin: germline. Observed: 1 variant allele.

Labcorp Genetics (formerly Invitae), Labcorp
Classification: Uncertain significance for Epidermolysis bullosa simplex 3, localized or generalized intermediate, with BP230 deficiency; Hereditary sensory and autonomic neuropathy type 6. Last evaluated: 2022-09-07. Review status: criteria provided, single submitter. Criteria: Invitae Variant Classification Sherloc (09022015). Collection method: clinical testing. Allele origin: germline.
Comment: This sequence change creates a premature translational stop signal (p.Tyr8Thrfs*33) in the DST gene. However, it is currently unclear if variants that occur in this region of the gene cause disease. This variant is present in population databases (rs775912185, gnomAD 0.04%). This variant has not been reported in the literature in individuals affected with DST-related conditions. ClinVar contains an entry for this variant (Variation ID: 282605). In summary, the available evidence is currently insufficient to determine the role of this variant in disease. Therefore, it has been classified as a Variant of Uncertain Significance.

Center for Pediatric Genomic Medicine, Children's Mercy Hospital and Clinics
Classification: Uncertain significance. Last evaluated: 2016-12-30. Review status: criteria provided, single submitter. Criteria: ACMG Guidelines, 2015. Collection method: clinical testing. Allele origin: germline.
ClinVar note: Converted during submission from Uncertain Significance to Uncertain significance.

CeGaT Center for Human Genetics Tuebingen
Classification: Likely pathogenic. Last evaluated: 2016-10-01. Review status: criteria provided, single submitter. Criteria: CeGaT Center For Human Genetics Tuebingen Variant Classification Criteria Version 2. Collection method: clinical testing. Allele origin: germline. Affected: yes. Observed: 1 variant allele.

Eurofins Ntd Llc (ga)
Classification: Likely pathogenic. Last evaluated: 2015-08-14. Review status: criteria provided, single submitter. Criteria: EGL Classification Definitions 2015. Collection method: clinical testing. Allele origin: germline.

Literature cited by the submitters: PubMed 31980526 (cited by Mayo Clinic Laboratories, Mayo Clinic).